The following is an entry in ClinVar:

ClinVar aggregate classification (germline): Likely pathogenic (1 of 4 stars; one submission).

Conditions:
Spermatogenic failure 31. Identifiers: MedGen C4748234, MONDO:0020852, OMIM 618112.

Submission:

Juno Genomics, Hangzhou Juno Genomics, Inc
Classification: Likely pathogenic for Spermatogenic failure 31. Review status: criteria provided, single submitter. Criteria: ACMG Guidelines, 2015. Collection method: clinical testing. Allele origin: germline.
Comment: Absent from controls (or at extremely low frequency if recessive) in Genome Aggregation Database.;Null variant in a gene where loss of function (LOF) is a known mechanism of disease.

NM_031293.3(PMFBP1):c.2046del (p.Lys682fs)

Gene: PMFBP1 (polyamine modulated factor 1 binding protein 1; minus strand). Cytogenetic location: 16q22.2.
Variant type: Deletion.
Coding change: c.2046del on transcript NM_031293.3 (MANE Select); coding-DNA position 2046, one base deleted (A; older notation c.2046delA).
Protein change: p.Lys682fs; shifts the reading frame from lysine 682.
Molecular consequence: frameshift variant.
Genome position (GRCh38, 1-based): chr16:72,128,699, T deleted on the plus strand (A on the coding strand, the reverse complement: PMFBP1 is on the minus strand); the first of 3 consecutive T bases (chr16:72,128,699-72,128,701); deleting any one gives the same sequence. VCF-style (leftmost placement, unchanged base first): chr16-72128698-AT-A. GRCh37 (hg19) VCF-style: chr16-72162597-AT-A.
Other names: c.1611del, p.Lys537fs (NM_001160213.2); short protein forms K537fs, K682fs.
Identifiers: ClinVar variation 5018588 (VCV005018588.2).